The following is an entry in ClinVar:

NM_001613.4(ACTA2):c.60G>C (p.Lys20Asn)

Gene: ACTA2 (actin alpha 2, smooth muscle; minus strand). Cytogenetic location: 10q23.31.
Variant type: single nucleotide variant.
Coding change: c.60G>C on transcript NM_001613.4 (MANE Select); coding-DNA position 60, G replaced by C.
Protein change: p.Lys20Asn; replaces lysine 20 with asparagine.
Molecular consequence: missense variant.
Genome position (GRCh38, 1-based): chr10:88,948,871, C>G on the plus strand (G>C on the coding strand, the complement: ACTA2 is on the minus strand). VCF-style: chr10-88948871-C-G. GRCh37 (hg19) VCF-style: chr10-90708628-C-G.
Other names: c.60G>C, p.Lys20Asn (NM_001141945.3, NM_001320855.2, NM_001406462.1 and 7 more transcripts); short protein forms K20N.
Identifiers: ClinVar variation 1751615 (VCV001751615.2), dbSNP rs373232511, ClinGen allele CA377513724.

ClinVar aggregate classification (germline): Uncertain significance (1 of 4 stars; one submission).

Conditions:
Familial thoracic aortic aneurysm and aortic dissection (TAAD). Also called: Thoracic aortic aneurysms and dissections. Identifiers: Orphanet 91387, MedGen C4707243, MONDO:0019625.

Submission:

Ambry Genetics
Classification: Uncertain significance for Familial thoracic aortic aneurysm and aortic dissection. Last evaluated: 2022-03-30. Review status: criteria provided, single submitter. Criteria: Ambry Variant Classification Scheme 2023. Collection method: clinical testing. Allele origin: germline.
Comment: The p.K20N variant (also known as c.60G>C), located in coding exon 1 of the ACTA2 gene, results from a G to C substitution at nucleotide position 60. The lysine at codon 20 is replaced by asparagine, an amino acid with similar properties. This amino acid position is conserved. In addition, this alteration is predicted to be deleterious by in silico analysis. Since supporting evidence is limited at this time, the clinical significance of this alteration remains unclear.